The following is an entry in ClinVar:

NM_000404.4(GLB1):c.998A>T (p.Tyr333Phe)

Gene: GLB1 (galactosidase beta 1; minus strand). Cytogenetic location: 3p22.3.
Variant type: single nucleotide variant.
Coding change: c.998A>T on transcript NM_000404.4 (MANE Select); coding-DNA position 998, A replaced by T.
Protein change: p.Tyr333Phe; replaces tyrosine 333 with phenylalanine.
Molecular consequence: missense variant.
Genome position (GRCh38, 1-based): chr3:33,046,190, T>A on the plus strand (A>T on the coding strand, the complement: GLB1 is on the minus strand). VCF-style: chr3-33046190-T-A. GRCh37 (hg19) VCF-style: chr3-33087682-T-A.
Other names: c.908A>T, p.Tyr303Phe (NM_001079811.3); c.605A>T, p.Tyr202Phe (NM_001135602.3); c.1142A>T, p.Tyr381Phe (NM_001317040.2); c.998A>T, p.Tyr333Phe (NM_001393580.1); short protein forms Y202F, Y303F, Y333F, Y381F.
Identifiers: ClinVar variation 3251493 (VCV003251493.1), dbSNP rs370107958.

ClinVar aggregate classification (germline): Uncertain significance (1 of 4 stars; one submission).

Allele frequency attached by ClinVar (database versions not stated): gnomAD 0.00001.
gnomAD v4.1: 28 of 1,613,912 alleles (0.0017%); highest among the groups gnomAD compares: Non-Finnish European, 0.0024%; no homozygotes.

Submission:

Women's Health and Genetics/Laboratory Corporation of America, LabCorp
Classification: Uncertain significance. Last evaluated: 2024-04-05. Review status: criteria provided, single submitter. Criteria: LabCorp Variant Classification Summary - May 2015. Collection method: clinical testing. Allele origin: germline.
Comment: Variant summary: GLB1 c.998A>T (p.Tyr333Phe) results in a conservative amino acid change located in the Glycoside hydrolase 35, catalytic domain (IPR031330) of the encoded protein sequence. Four of five in-silico tools predict a damaging effect of the variant on protein function. The variant allele was found at a frequency of 4e-06 in 249536 control chromosomes. The available data on variant occurrences in the general population are insufficient to allow any conclusion about variant significance. To our knowledge, no occurrence of c.998A>T in individuals affected with Mucopolysaccharidosis Type IVB (Morquio Syndrome B) and no experimental evidence demonstrating its impact on protein function have been reported. No submitters have cited clinical-significance assessments for this variant to ClinVar. Based on the evidence outlined above, the variant was classified as uncertain significance.